The following is an entry in ClinVar:

NC_000017.10:g.(?_29575992)_(29576147_?)dup

Gene: NF1 (neurofibromin 1; plus strand). Cytogenetic location: 17q11.2.
Variant type: Duplication.
Identifiers: ClinVar variation 657394 (VCV000657394.1).

ClinVar aggregate classification (germline): Uncertain significance (1 of 4 stars; one submission).

Conditions:
Neurofibromatosis, type 1 (NF1). Also called: VON RECKLINGHAUSEN DISEASE; NEUROFIBROMATOSIS, TYPE I, SOMATIC; Peripheral type neurofibromatosis; Neurofibromatosis, type I. Identifiers: Orphanet 636, MedGen C0027831, MONDO:0018975, OMIM 162200. Disease mechanism: loss of function.

Submission:

Labcorp Genetics (formerly Invitae), Labcorp
Classification: Uncertain significance for Neurofibromatosis, type 1. Last evaluated: 2018-09-20. Review status: criteria provided, single submitter. Criteria: Invitae Variant Classification Sherloc (09022015). Collection method: clinical testing. Allele origin: germline.
Comment: This variant results in a copy number gain of the genomic region encompassing exon 30 of the NF1 gene. While the exact position of this variant cannot be determined from this data, sub-genic copy number gains are generally in tandem (PMID: 25640679) and may result in an absent or disrupted protein product. This variant has not been reported in the literature in individuals with NF1-related disease. As the precise location of this event is unknown, it may be in tandem or it may be located elsewhere in the genome. In summary, the available evidence is currently insufficient to determine the role of this variant in disease. Therefore, it has been classified as a Variant of Uncertain Significance.